The following is an entry in ClinVar:

NM_000038.6(APC):c.1631T>C (p.Ile544Thr)

Gene: APC (APC regulator of Wnt signaling pathway; plus strand). Cytogenetic location: 5q22.2.
Variant type: single nucleotide variant.
Coding change: c.1631T>C on transcript NM_000038.6 (MANE Select); coding-DNA position 1631, T replaced by C.
Protein change: p.Ile544Thr; replaces isoleucine 544 with threonine.
Molecular consequence: missense variant.
Genome position (GRCh38, 1-based): chr5:112,828,860, T>C. VCF-style: chr5-112828860-T-C. GRCh37 (hg19) VCF-style: chr5-112164557-T-C.
Other names: p.I544T:ATT>ACT; c.1631T>C, p.Ile544Thr (NM_001127510.3, NM_001354895.2); c.1577T>C, p.Ile526Thr (NM_001127511.3); c.1685T>C, p.Ile562Thr (NM_001354896.2); c.1661T>C, p.Ile554Thr (NM_001354897.2); c.1556T>C, p.Ile519Thr (NM_001354898.2); c.1547T>C, p.Ile516Thr (NM_001354899.2); c.1508T>C, p.Ile503Thr (NM_001354900.2); and 6 more; short protein forms I544T, I526T, I384T, I418T, I453T, I516T, I519T, I554T.
Identifiers: ClinVar variation 41520 (VCV000041520.65), dbSNP rs144056494, ClinGen allele CA005403.

ClinVar aggregate classification (germline): Conflicting classifications of pathogenicity. Review status: criteria provided, conflicting classifications (1 of 4 stars). 19 submissions from 19 submitters: Uncertain significance (3); Benign (1); Likely benign (11). 4 of the submissions do not count toward it. Last evaluated 2026-03-02.

Conditions:
APC-Associated Polyposis Disorders.
APC-related disorder. Also called: APC-related condition.
Classic or attenuated familial adenomatous polyposis. Identifiers: MedGen CN372698, MONDO:0021057.
Hereditary cancer-predisposing syndrome. Also called: Tumor predisposition; Hereditary neoplastic syndrome; Neoplastic Syndromes, Hereditary; Hereditary Cancer Syndrome. Identifiers: Orphanet 140162, MedGen C0027672, MeSH D009386, MONDO:0015356.
Familial adenomatous polyposis 1 (FAP1). Also called: POLYPOSIS, ADENOMATOUS INTESTINAL; FAMILIAL ADENOMATOUS POLYPOSIS 1, ATTENUATED. Identifiers: MedGen C2713442, MONDO:0021056, OMIM 175100. Disease mechanism: loss of function.
Carcinoma of colon (CRC). Also called: Colonic carcinoma; Colon carcinoma. Identifiers: MedGen C0699790, MONDO:0002032.

Allele frequency attached by ClinVar (database versions not stated): gnomAD exomes 0.00016 and 0.00025; 1000 Genomes Project 0.00040; ESP Exome Variant Server 0.00046; TOPMed 0.00010; gnomAD 0.00012 and 0.00013; ExAC 0.00014; 1000 Genomes Project 30x 0.00062.
gnomAD v4.1: 375 of 1,605,270 alleles (0.023%); highest among the groups gnomAD compares: Non-Finnish European, 0.03%; no homozygotes.

Submissions 1 to 15 of 19:

Women's Health and Genetics/Laboratory Corporation of America, LabCorp
Classification: Likely benign. Last evaluated: 2026-03-02. Review status: criteria provided, single submitter. Criteria: LabCorp Variant Classification Summary - May 2015. Collection method: clinical testing. Allele origin: germline.
Comment: Variant summary: APC c.1631T>C (p.Ile544Thr) results in a non-conservative amino acid change located in the Armadillo repeat region (IPR000225) of the encoded protein sequence. Algorithms developed to predict the effect of missense changes on protein structure and function are either unavailable or do not agree on the potential impact of this missense change. The variant allele was found at a frequency of 0.00016 in 251106 control chromosomes, predominantly at a frequency of 0.00033 within the Non-Finnish European subpopulation in the gnomAD database. The observed variant frequency within Non-Finnish European control individuals in the gnomAD database exceeds the estimated maximal expected allele frequency for disease-causing variants in APC. c.1631T>C has been observed in an individual affected with Familial Adenomatous Polyposis without strong evidence for causality (e.g. Kerr_2012). The variant has also been reported in patients with Li_Fraumeni-like syndrome (e.g. Henn_2019) and other cancer phenotypes (e.g. Grant_2015, Ring_2016, Yurgelun_2017). These reports do not provide unequivocal conclusions about association of the variant with Familial Adenomatous Polyposis. To our knowledge, no experimental evidence demonstrating an impact on protein function has been reported. The following publications have been ascertained in the context of this evaluation (PMID: 22703879, 23159591, 25479140, 27443514, 28135145, 30680046). ClinVar contains an entry for this variant (Variation ID: 41520). Based on the evidence outlined above, the variant was classified as likely benign.

Labcorp Genetics (formerly Invitae), Labcorp
Classification: Likely benign for Familial adenomatous polyposis 1. Last evaluated: 2026-02-03. Review status: criteria provided, single submitter. Criteria: Invitae Variant Classification Sherloc (09022015). Collection method: clinical testing. Allele origin: germline.

Quest Diagnostics Nichols Institute San Juan Capistrano
Classification: Likely benign. Last evaluated: 2025-10-17. Review status: criteria provided, single submitter. Criteria: Quest Diagnostics criteria. Collection method: clinical testing. Allele origin: unknown.

Mendelics
Classification: Likely benign for Familial adenomatous polyposis 1. Last evaluated: 2025-06-23. Review status: criteria provided, single submitter. Criteria: ACMG Guidelines, 2015. Collection method: clinical testing. Allele origin: unknown.
Comment: This variant is considered likely benign or benign based on one or more of the following: it is predicted to be benign by multiple in silico algorithms, and/or has population frequency not consistent with disease, and/or has normal protein function, and/or has lack of segregation with disease, and/or has been detected in co-occurrence with known pathogenic variant, and/or has lack of disease association in case-control studies, and/or is located in a region inconsistent with a known cause of pathogenicity.

Center for Genomic Medicine, Rigshospitalet, Copenhagen University Hospital
Classification: Likely benign. Last evaluated: 2025-03-04. Review status: criteria provided, single submitter. Criteria: ACMG Guidelines, 2015. Collection method: clinical testing. Allele origin: germline.

Myriad Genetics, Inc.
Classification: Likely benign for Familial adenomatous polyposis 1. Last evaluated: 2025-01-23. Review status: criteria provided, single submitter. Criteria: Myriad Autosomal Dominant, Autosomal Recessive and X-Linked Classification Criteria (2023). Collection method: clinical testing. Allele origin: unknown.
Comment: This variant is considered likely benign. This variant has been observed at a population frequency that is significantly greater than expected given the associated disease prevalence and penetrance.

All of Us Research Program, National Institutes of Health
Classification: Likely benign for Classic or attenuated familial adenomatous polyposis. Last evaluated: 2024-09-23. Review status: criteria provided, single submitter. Criteria: ACMG Guidelines, 2015. Collection method: clinical testing. Allele origin: germline. Inheritance: Autosomal dominant inheritance. Observed: 61 variant alleles, 61 heterozygotes.
Comment: This study involves interpretation of variants in research participants for the purpose of population health screening. Participant phenotype was not available at the time of variant classification. Additional details can be found in publication PMID: 35346344, PMCID: PMC8962531

Blueprint Genetics
Classification: Likely benign. Last evaluated: 2023-11-07. Review status: criteria provided, single submitter. Criteria: ACMG Guidelines, 2015. Collection method: clinical testing. Allele origin: germline.

Sema4
Classification: Uncertain significance for Hereditary cancer-predisposing syndrome. Last evaluated: 2022-01-30. Review status: criteria provided, single submitter. Criteria: Sema4 Curation Guidelines. Collection method: curation. Allele origin: germline.
Comment: The APC c.1631T>C (p.I544T) variant has been reported in heterozygosity in at least one individual with familial adenomatous polyposis, at least one individual with endometrial cancer, and at least one individual with colorectal cancer (PMID: 23159591, 27443514, 28135145, 30680046). It was observed in 40/128968 chromosomes of the Non-Finnish European subpopulation in the large and broad cohorts of the Genome Aggregation Database (PMID: 32461654). This variant has been reported in ClinVar (Variation ID: 41520). Functional studies have not been performed, and in silico predictions of the variant's effect on protein function are inconclusive. The evidence is insufficient to meet ACMG/AMP criteria for classifying the variant as benign or pathogenic. Thus, the clinical significance of this variant is currently uncertain.

Mayo Clinic Laboratories, Mayo Clinic
Classification: Uncertain significance. Last evaluated: 2021-10-26. Review status: criteria provided, single submitter. Criteria: ACMG Guidelines, 2015. Collection method: clinical testing. Allele origin: germline.

GeneDx
Classification: Likely benign. Last evaluated: 2021-06-25. Review status: criteria provided, single submitter. Criteria: GeneDx Variant Classification Process June 2021. Collection method: clinical testing. Allele origin: germline. Affected: yes.
Comment: This variant is associated with the following publications: (PMID: 22703879, 25479140, 23159591, 27443514, 28135145, 28873162, 27600092)

Color Diagnostics, LLC DBA Color Health
Classification: Likely benign for Hereditary cancer-predisposing syndrome. Last evaluated: 2020-01-14. Review status: criteria provided, single submitter. Criteria: ACMG Guidelines, 2015. Collection method: clinical testing. Allele origin: germline.

Illumina Laboratory Services, Illumina
Classification: Likely benign for APC-Associated Polyposis Disorders. Last evaluated: 2018-01-13. Review status: criteria provided, single submitter. Criteria: ICSL Variant Classification Criteria 13 December 2019. Collection method: clinical testing. Allele origin: germline.
Comment: This variant was observed in the ICSL laboratory as part of a predisposition screen in an ostensibly healthy population. It had not been previously curated by ICSL or reported in the Human Gene Mutation Database (HGMD: prior to June 1st, 2018), and was therefore a candidate for classification through an automated scoring system. Utilizing variant allele frequency, disease prevalence and penetrance estimates, and inheritance mode, an automated score was calculated to assess if this variant is too frequent to cause the disease. Based on the score and internal cut-off values, a variant classified as likely benign is not then subjected to further curation. The score for this variant resulted in a classification of likely benign for this disease.

Laboratory for Molecular Medicine, Mass General Brigham Personalized Medicine
Classification: Uncertain significance. Last evaluated: 2017-01-24. Review status: criteria provided, single submitter. Criteria: LMM Criteria. Collection method: clinical testing. Allele origin: germline.
Comment: Variant identified in a genome or exome case(s) and assessed due to predicted null impact of the variant or pathogenic assertions in the literature or databases. Disclaimer: This variant has not undergone full assessment. The following are preliminary notes: This variant has been seen in one individual evaluated for FAP (Kerr 2013). It is classified in ClinVar with 1 star as Benign by Ambry and as VUS by Invitae, GeneDx, and Biesecker lab. It is present in gnomAD with a Max MAF of 0.03% (42 alleles - frequency too high for disease).

Ambry Genetics
Classification: Benign for Hereditary cancer-predisposing syndrome. Last evaluated: 2014-11-28. Review status: criteria provided, single submitter. Criteria: Ambry Variant Classification Scheme 2023. Collection method: clinical testing. Allele origin: germline.